The following is an entry in ClinVar:

ClinVar aggregate classification (germline): Likely benign. Review status: criteria provided, multiple submitters, no conflicts (2 of 4 stars). 4 submissions from 4 submitters: Likely benign (4). Last evaluated 2026-09-01.

Conditions:
Cardiovascular phenotype. Identifiers: MedGen CN230736.

Allele frequency attached by ClinVar (database versions not stated): gnomAD exomes 0.00001; gnomAD 0.00002 and 0.00003; TOPMed 0.00004.
gnomAD v4.1: 21 of 1,550,198 alleles (0.0014%); highest among the groups gnomAD compares: African/African-American, 0.0041%; no homozygotes.

Submissions (4):

CeGaT Center for Human Genetics Tuebingen
Classification: Likely benign. Last evaluated: 2026-09-01. Review status: criteria provided, single submitter. Criteria: CeGaT Center For Human Genetics Tuebingen Variant Classification Criteria Version 2. Collection method: clinical testing. Allele origin: germline. Affected: yes. Observed: 1 variant allele.
Comment: ZNF469: BP4, BP7

Labcorp Genetics (formerly Invitae), Labcorp
Classification: Likely benign. Last evaluated: 2025-08-12. Review status: criteria provided, single submitter. Criteria: Invitae Variant Classification Sherloc (09022015). Collection method: clinical testing. Allele origin: germline.

Ambry Genetics
Classification: Likely benign for Cardiovascular phenotype. Last evaluated: 2021-05-03. Review status: criteria provided, single submitter. Criteria: Ambry Variant Classification Scheme 2023. Collection method: clinical testing. Allele origin: germline.

GeneDx
Classification: Likely benign. Last evaluated: 2019-07-01. Review status: criteria provided, single submitter. Criteria: GeneDx Variant Classification Process June 2021. Collection method: clinical testing. Allele origin: germline. Affected: yes.

NM_001367624.2(ZNF469):c.759C>T (p.Ala253=)

Gene: ZNF469 (zinc finger protein 469; plus strand). Cytogenetic location: 16q24.2.
Variant type: single nucleotide variant.
Coding change: c.759C>T on transcript NM_001367624.2 (MANE Select); coding-DNA position 759, C replaced by T.
Protein change: p.Ala253=; no amino-acid change (alanine 253 retained).
Molecular consequence: synonymous variant.
Genome position (GRCh38, 1-based): chr16:88,428,229, C>T. VCF-style: chr16-88428229-C-T. GRCh37 (hg19) VCF-style: chr16-88494637-C-T.
Other names: NM_001127464.1:c.759C>T.
Identifiers: ClinVar variation 509226 (VCV000509226.11), dbSNP rs975846019, ClinGen allele CA286372076.